The following is an entry in ClinVar:

NM_001142966.3(GREB1L):c.3298G>A (p.Glu1100Lys)

Gene: GREB1L (GREB1 like retinoic acid receptor coactivator; plus strand). Cytogenetic location: 18q11.1.
Variant type: single nucleotide variant.
Coding change: c.3298G>A on transcript NM_001142966.3 (MANE Select); coding-DNA position 3298, G replaced by A.
Protein change: p.Glu1100Lys; replaces glutamic acid 1100 with lysine.
Molecular consequence: missense variant.
Genome position (GRCh38, 1-based): chr18:21,496,605, G>A. VCF-style: chr18-21496605-G-A. GRCh37 (hg19) VCF-style: chr18-19076566-G-A.
Other names: c.3427G>A, p.Glu1143Lys (NM_001410867.1); c.2971G>A, p.Glu991Lys (NM_001410868.1); short protein forms E991K, E1100K, E1143K.
Identifiers: ClinVar variation 2780671 (VCV002780671.3), dbSNP rs373475570, ClinGen allele CA8906571.

ClinVar aggregate classification (germline): Uncertain significance (1 of 4 stars; one submission).

Allele frequency attached by ClinVar (database versions not stated): TOPMed 0.00001; ESP Exome Variant Server 0.00022; gnomAD 0.00001; ExAC 0.00005.
gnomAD v4.1: 1 of 1,551,612 alleles (0.000064%); highest among the groups gnomAD compares: Non-Finnish European, 0.000087%; no homozygotes.

Submission:

Labcorp Genetics (formerly Invitae), Labcorp
Classification: Uncertain significance. Last evaluated: 2025-04-28. Review status: criteria provided, single submitter. Criteria: Invitae Variant Classification Sherloc (09022015). Collection method: clinical testing. Allele origin: germline.
Comment: This sequence change replaces glutamic acid, which is acidic and polar, with lysine, which is basic and polar, at codon 1100 of the GREB1L protein (p.Glu1100Lys). This variant is present in population databases (rs373475570, gnomAD 0.002%). This variant has not been reported in the literature in individuals affected with GREB1L-related conditions. ClinVar contains an entry for this variant (Variation ID: 2780671). An algorithm developed to predict the effect of missense changes on protein structure and function (PolyPhen-2) suggests that this variant is likely to be disruptive. In summary, the available evidence is currently insufficient to determine the role of this variant in disease. Therefore, it has been classified as a Variant of Uncertain Significance.